The following is an entry in ClinVar:

ClinVar aggregate classification (germline): Benign (1 of 4 stars; one submission).

Conditions:
Hereditary diffuse gastric adenocarcinoma (HDGC). Also called: DIFFUSE GASTRIC AND LOBULAR BREAST CANCER SYNDROME. Identifiers: Orphanet 26106, MedGen C1708349, MONDO:0007648, OMIM 137215.

Submission:

Myriad Genetics, Inc.
Classification: Benign for Hereditary diffuse gastric adenocarcinoma. Last evaluated: 2024-09-24. Review status: criteria provided, single submitter. Criteria: Myriad Autosomal Dominant, Autosomal Recessive and X-Linked Classification Criteria (2023). Collection method: clinical testing. Allele origin: unknown.
Comment: This variant is considered benign. This variant is a silent/synonymous amino acid change and it is not expected to impact splicing.

NM_004360.5(CDH1):c.2604C>T (p.Arg868=)

Gene: CDH1 (cadherin 1; plus strand). Cytogenetic location: 16q22.1.
Variant type: single nucleotide variant.
Coding change: c.2604C>T on transcript NM_004360.5 (MANE Select); coding-DNA position 2604, C replaced by T.
Protein change: p.Arg868=; no amino-acid change (arginine 868 retained).
Molecular consequence: synonymous variant.
Genome position (GRCh38, 1-based): chr16:68,833,454, C>T. VCF-style: chr16-68833454-C-T. GRCh37 (hg19) VCF-style: chr16-68867357-C-T.
Other names: c.639C>T, p.Arg213= (NM_001317186.2); c.2421C>T, p.Arg807= (NM_001317184.2); c.1056C>T, p.Arg352= (NM_001317185.2).
Identifiers: ClinVar variation 3378468 (VCV003378468.1).